The following is an entry in ClinVar:

NM_000426.4(LAMA2):c.7175A>G (p.Glu2392Gly)

Gene: LAMA2 (laminin subunit alpha 2; plus strand). Cytogenetic location: 6q22.33.
Variant type: single nucleotide variant.
Coding change: c.7175A>G on transcript NM_000426.4 (MANE Select); coding-DNA position 7175, A replaced by G.
Protein change: p.Glu2392Gly; replaces glutamic acid 2392 with glycine.
Molecular consequence: missense variant.
Genome position (GRCh38, 1-based): chr6:129,465,164, A>G. VCF-style: chr6-129465164-A-G. GRCh37 (hg19) VCF-style: chr6-129786309-A-G.
Other names: c.7175A>G, p.Glu2392Gly (NM_001079823.2); short protein forms E2392G.
Identifiers: ClinVar variation 2069661 (VCV002069661.1), dbSNP rs2533443382, ClinGen allele CA365621382.

ClinVar aggregate classification (germline): Uncertain significance (1 of 4 stars; one submission).

Conditions:
LAMA2-related muscular dystrophy (LAMA2-RD). Also called: Laminin alpha 2-related dystrophy. Identifiers: MedGen C5679788, MONDO:0100228.

Allele frequency attached by ClinVar (database versions not stated): gnomAD exomes below 0.00001.
gnomAD v4.1: 1 of 1,610,926 alleles (0.000062%); highest among the groups gnomAD compares: Non-Finnish European, 0.000085%; no homozygotes.

Submission:

Labcorp Genetics (formerly Invitae), Labcorp
Classification: Uncertain significance for LAMA2-related muscular dystrophy. Last evaluated: 2022-02-22. Review status: criteria provided, single submitter. Criteria: Invitae Variant Classification Sherloc (09022015). Collection method: clinical testing. Allele origin: germline.
Comment: This sequence change replaces glutamic acid, which is acidic and polar, with glycine, which is neutral and non-polar, at codon 2392 of the LAMA2 protein (p.Glu2392Gly). This variant is not present in population databases (gnomAD no frequency). This variant has not been reported in the literature in individuals affected with LAMA2-related conditions. Algorithms developed to predict the effect of missense changes on protein structure and function are either unavailable or do not agree on the potential impact of this missense change (SIFT: "Tolerated"; PolyPhen-2: "Probably Damaging"; Align-GVGD: "Class C0"). Algorithms developed to predict the effect of sequence changes on RNA splicing suggest that this variant may disrupt the consensus splice site. In summary, the available evidence is currently insufficient to determine the role of this variant in disease. Therefore, it has been classified as a Variant of Uncertain Significance.